The following is an entry in ClinVar:

ClinVar aggregate classification (germline): Likely benign. Review status: criteria provided, multiple submitters, no conflicts (2 of 4 stars). 3 submissions from 3 submitters: Likely benign (2). 1 of the submissions does not count toward it. Last evaluated 2025-11-03.

Conditions:
ACE-related disorder. Also called: ACE-related condition; ACE-related disorders.

Allele frequency attached by ClinVar (database versions not stated): gnomAD exomes 0.00019; ExAC 0.00022; 1000 Genomes Project 30x 0.00047; 1000 Genomes Project 0.00060; gnomAD 0.00074 and 0.00080; ESP Exome Variant Server 0.00077; TOPMed 0.00079.
gnomAD v4.1: 196 of 1,614,162 alleles (0.012%); highest among the groups gnomAD compares: African/African-American, 0.23%; 2 homozygotes.

Submissions (3):

Labcorp Genetics (formerly Invitae), Labcorp
Classification: Likely benign. Last evaluated: 2025-11-03. Review status: criteria provided, single submitter. Criteria: Invitae Variant Classification Sherloc (09022015). Collection method: clinical testing. Allele origin: germline.

Mayo Clinic Laboratories, Mayo Clinic
Classification: Likely benign. Last evaluated: 2025-03-05. Review status: criteria provided, single submitter. Criteria: ACMG Guidelines, 2015. Collection method: clinical testing. Allele origin: germline. Observed: 1 variant allele.
Comment: BS1

PreventionGenetics, part of Exact Sciences
Classification: Likely benign for ACE-related condition. Last evaluated: 2023-07-18. Review status: no assertion criteria provided. Collection method: clinical testing. Allele origin: germline. Not counted in ClinVar's aggregate classification.
Comment: This variant is classified as likely benign based on ACMG/AMP sequence variant interpretation guidelines (Richards et al. 2015 PMID: 25741868, with internal and published modifications).

NM_000789.4(ACE):c.3045T>A (p.His1015Gln)

Gene: ACE (angiotensin I converting enzyme; plus strand). Cytogenetic location: 17q23.3.
Variant type: single nucleotide variant.
Coding change: c.3045T>A on transcript NM_000789.4 (MANE Select); coding-DNA position 3045, T replaced by A.
Protein change: p.His1015Gln; replaces histidine 1015 with glutamine.
Molecular consequence: missense variant. On other transcripts: non-coding transcript variant (1).
Genome position (GRCh38, 1-based): chr17:63,493,568, T>A. VCF-style: chr17-63493568-T-A. GRCh37 (hg19) VCF-style: chr17-61570929-T-A.
Other names: p.His1015Gln; c.3045T>A (NM_000789.3); c.1323T>A, p.His441Gln (NM_001178057.2, NM_152830.3); c.2478T>A, p.His826Gln (NM_001382700.1); c.2193T>A, p.His731Gln (NM_001382701.1); c.783T>A, p.His261Gln (NM_001382702.1); short protein forms H1015Q, H261Q, H441Q, H731Q, H826Q.
Identifiers: ClinVar variation 1617536 (VCV001617536.11), dbSNP rs144751624, ClinGen allele CA8700348.